The following is an entry in ClinVar:

NM_001457.4(FLNB):c.6072C>G (p.Ile2024Met)

Gene: FLNB (filamin B; plus strand). Cytogenetic location: 3p14.3.
Variant type: single nucleotide variant.
Coding change: c.6072C>G on transcript NM_001457.4 (MANE Select); coding-DNA position 6072, C replaced by G.
Protein change: p.Ile2024Met; replaces isoleucine 2024 with methionine.
Molecular consequence: missense variant.
Genome position (GRCh38, 1-based): chr3:58,148,833, C>G. VCF-style: chr3-58148833-C-G. GRCh37 (hg19) VCF-style: chr3-58134560-C-G.
Other names: c.6165C>G, p.Ile2055Met (NM_001164317.2); c.6039C>G, p.Ile2013Met (NM_001164318.2); c.6000C>G, p.Ile2000Met (NM_001164319.2); short protein forms I2000M, I2013M, I2024M, I2055M.
Identifiers: ClinVar variation 5018702 (VCV005018702.2).

ClinVar aggregate classification (germline): Uncertain significance (1 of 4 stars; one submission).

Conditions:
Spondylocarpotarsal synostosis syndrome (SCT). Also called: Synspondylism congenital; Scoliosis, congenital with unilateral unsegmented bar; SPONDYLOCARPOTARSAL SYNDROME; VERTEBRAL FUSION WITH CARPAL COALITION; Spondylocarpotarsal Synostosis Syndrome (FLNB-SCT). Identifiers: Orphanet 3275, MedGen C1848934, MONDO:0010094, OMIM 272460.
Boomerang dysplasia. Identifiers: Orphanet 1263, MedGen C0432201, MONDO:0007208, OMIM 112310.
Atelosteogenesis type I. Also called: SPONDYLOHUMEROFEMORAL HYPOPLASIA; Atelosteogenesis Type 1 (FLNB-AO1); GIANT CELL CHONDRODYSPLASIA. Identifiers: Orphanet 1190, MedGen C0265283, MONDO:0007167, OMIM 108720.
Atelosteogenesis type III. Also called: Atelosteogenesis Type 3 (FLNB-AO3). Identifiers: Orphanet 56305, MedGen C3668942, MONDO:0007168, OMIM 108721.
Larsen syndrome (LRS). Also called: Bilateral dislocation of the knees, pes cavus, cylindrically shaped fingers and characteristic facies; Larsen syndrome (FLNB-LS). Identifiers: Orphanet 503, MedGen C0175778, MONDO:0007875, OMIM 150250. Disease mechanism: loss of function.

Submission:

Juno Genomics, Hangzhou Juno Genomics, Inc
Classification: Uncertain significance for Spondylocarpotarsal synostosis syndrome; Atelosteogenesis type I; Atelosteogenesis type III; Boomerang dysplasia; Larsen syndrome. Review status: criteria provided, single submitter. Criteria: ACMG Guidelines, 2015. Collection method: clinical testing. Allele origin: germline.
Comment: Absent from controls (or at extremely low frequency if recessive) in Genome Aggregation Database.;Missense variant in a gene that has a low rate of benign missense variation.